The following is an entry in ClinVar:

NM_007254.4(PNKP):c.1363G>A (p.Glu455Lys)

Gene: PNKP (polynucleotide kinase 3'-phosphatase; minus strand). Cytogenetic location: 19q13.33.
Variant type: single nucleotide variant.
Coding change: c.1363G>A on transcript NM_007254.4 (MANE Select); coding-DNA position 1363, G replaced by A.
Protein change: p.Glu455Lys; replaces glutamic acid 455 with lysine.
Molecular consequence: missense variant.
Genome position (GRCh38, 1-based): chr19:49,861,631, C>T on the plus strand (G>A on the coding strand, the complement: PNKP is on the minus strand). VCF-style: chr19-49861631-C-T. GRCh37 (hg19) VCF-style: chr19-50364888-C-T.
Other names: short protein forms E455K.
Identifiers: ClinVar variation 1473950 (VCV001473950.6), dbSNP rs2122318761, ClinGen allele CA406933058.

ClinVar aggregate classification (germline): Uncertain significance (1 of 4 stars; one submission).

Conditions:
Developmental and epileptic encephalopathy, 12 (DEE12). Identifiers: MedGen C3150988, MONDO:0013389, OMIM 613722.

gnomAD v4.1: 2 of 1,554,944 alleles (0.00013%); highest among the groups gnomAD compares: Non-Finnish European, 0.00017%; no homozygotes.

Submission:

Labcorp Genetics (formerly Invitae), Labcorp
Classification: Uncertain significance for Developmental and epileptic encephalopathy, 12. Last evaluated: 2021-09-09. Review status: criteria provided, single submitter. Criteria: Invitae Variant Classification Sherloc (09022015). Collection method: clinical testing. Allele origin: germline.
Comment: This variant has not been reported in the literature in individuals affected with PNKP-related conditions. Algorithms developed to predict the effect of missense changes on protein structure and function are either unavailable or do not agree on the potential impact of this missense change (SIFT: "Tolerated"; PolyPhen-2: "Probably Damaging"; Align-GVGD: "Class C0"). In summary, the available evidence is currently insufficient to determine the role of this variant in disease. Therefore, it has been classified as a Variant of Uncertain Significance. The frequency data for this variant in the population databases is considered unreliable, as metrics indicate insufficient coverage at this position in the ExAC database. This sequence change replaces glutamic acid with lysine at codon 455 of the PNKP protein (p.Glu455Lys). The glutamic acid residue is highly conserved and there is a small physicochemical difference between glutamic acid and lysine.